The following is an entry in ClinVar:

NM_032776.3(JMJD1C):c.3641A>G (p.His1214Arg)

Gene: JMJD1C (jumonji domain containing 1C; minus strand). Cytogenetic location: 10q21.3.
Variant type: single nucleotide variant.
Coding change: c.3641A>G on transcript NM_032776.3 (MANE Select); coding-DNA position 3641, A replaced by G.
Protein change: p.His1214Arg; replaces histidine 1214 with arginine.
Molecular consequence: missense variant. On other transcripts: non-coding transcript variant (1).
Genome position (GRCh38, 1-based): chr10:63,208,028, T>C on the plus strand (A>G on the coding strand, the complement: JMJD1C is on the minus strand). VCF-style: chr10-63208028-T-C. GRCh37 (hg19) VCF-style: chr10-64967788-T-C.
Other names: c.3095A>G, p.His1032Arg (NM_001282948.2, NM_001318154.2); c.2777A>G, p.His926Arg (NM_001318153.2); c.3527A>G, p.His1176Arg (NM_001322252.2); c.2984A>G, p.His995Arg (NM_001322254.2, NM_001322258.2); short protein forms H1032R, H1214R, H995R, H926R, H1176R.
Identifiers: ClinVar variation 2177562 (VCV002177562.4), dbSNP rs775829102, ClinGen allele CA5518396.

ClinVar aggregate classification (germline): Uncertain significance (1 of 4 stars; one submission).

Conditions:
Early Myoclonic Encephalopathy. Identifiers: MedGen C0270855.

Allele frequency attached by ClinVar (database versions not stated): ExAC 0.00001; TOPMed 0.00001; gnomAD exomes 0.00001; gnomAD 0.00001.
gnomAD v4.1: 8 of 1,614,070 alleles (0.0005%); highest among the groups gnomAD compares: East Asian, 0.0022%; no homozygotes.

Submission:

Labcorp Genetics (formerly Invitae), Labcorp
Classification: Uncertain significance for Early Myoclonic Encephalopathy. Last evaluated: 2022-04-19. Review status: criteria provided, single submitter. Criteria: Invitae Variant Classification Sherloc (09022015). Collection method: clinical testing. Allele origin: germline.
Comment: In summary, the available evidence is currently insufficient to determine the role of this variant in disease. Therefore, it has been classified as a Variant of Uncertain Significance. Algorithms developed to predict the effect of missense changes on protein structure and function are either unavailable or do not agree on the potential impact of this missense change (SIFT: "Deleterious"; PolyPhen-2: "Possibly Damaging"; Align-GVGD: "Class C0"). This variant has not been reported in the literature in individuals affected with JMJD1C-related conditions. This variant is present in population databases (rs775829102, gnomAD 0.005%). This sequence change replaces histidine, which is basic and polar, with arginine, which is basic and polar, at codon 1214 of the JMJD1C protein (p.His1214Arg).